The following is an entry in ClinVar:

ClinVar aggregate classification (germline): Uncertain significance (1 of 4 stars; one submission).

Allele frequency attached by ClinVar (database versions not stated): gnomAD exomes below 0.00001.

Submission:

Labcorp Genetics (formerly Invitae), Labcorp
Classification: Uncertain significance. Last evaluated: 2021-02-19. Review status: criteria provided, single submitter. Criteria: Invitae Variant Classification Sherloc (09022015). Collection method: clinical testing. Allele origin: germline.
Comment: This variant has not been reported in the literature in individuals with CLCC1-related conditions. In summary, the available evidence is currently insufficient to determine the role of this variant in disease. Therefore, it has been classified as a Variant of Uncertain Significance. Algorithms developed to predict the effect of missense changes on protein structure and function output the following: SIFT: "Tolerated"; PolyPhen-2: "Benign"; Align-GVGD: "Class C0". The isoleucine amino acid residue is found in multiple mammalian species, suggesting that this missense change does not adversely affect protein function. These predictions have not been confirmed by published functional studies and their clinical significance is uncertain. This variant is not present in population databases (ExAC no frequency). This sequence change replaces phenylalanine with isoleucine at codon 223 of the CLCC1 protein (p.Phe223Ile). The phenylalanine residue is weakly conserved and there is a small physicochemical difference between phenylalanine and isoleucine.

NM_001377458.1(CLCC1):c.667T>A (p.Phe223Ile)

Gene: CLCC1 (chloride channel CLIC like 1; minus strand). Cytogenetic location: 1p13.3.
Variant type: single nucleotide variant.
Coding change: c.667T>A on transcript NM_001377458.1 (MANE Select); coding-DNA position 667, T replaced by A.
Protein change: p.Phe223Ile; replaces phenylalanine 223 with isoleucine.
Molecular consequence: missense variant. On other transcripts: intron variant (2), non-coding transcript variant (1).
Genome position (GRCh38, 1-based): chr1:108,943,510, A>T on the plus strand (T>A on the coding strand, the complement: CLCC1 is on the minus strand). VCF-style: chr1-108943510-A-T. GRCh37 (hg19) VCF-style: chr1-109486132-A-T.
Other names: c.340-2012T>A (NM_001278202.2); c.340-3728T>A (NM_001278203.1); c.667T>A, p.Phe223Ile (NM_001048210.3, NM_001377459.1, NM_001377460.1 and 8 more transcripts); c.565T>A, p.Phe189Ile (NM_001377469.1); c.376T>A, p.Phe126Ile (NM_001377470.1); c.517T>A, p.Phe173Ile (NM_015127.5); short protein forms F126I, F173I, F189I, F223I.
Identifiers: ClinVar variation 1512075 (VCV001512075.7), dbSNP rs2101653641, ClinGen allele CA341462280.